The following is an entry in ClinVar:

ClinVar aggregate classification (germline): Uncertain significance (1 of 4 stars; one submission).

Conditions:
Brachyolmia-amelogenesis imperfecta syndrome. Also called: PLATYSPONDYLY WITH AMELOGENESIS IMPERFECTA; Tooth agenesis, selective, 6; Dental anomalies and short stature. Identifiers: Orphanet 2899, MedGen C1832594, MONDO:0011018, OMIM 601216. Disease mechanism: loss of function.

gnomAD v4.1: 11 of 1,613,838 alleles (0.00068%); highest among the groups gnomAD compares: African/African-American, 0.0027%; no homozygotes.

Submission:

Labcorp Genetics (formerly Invitae), Labcorp
Classification: Uncertain significance for Brachyolmia-amelogenesis imperfecta syndrome. Last evaluated: 2025-10-23. Review status: criteria provided, single submitter. Criteria: Invitae Variant Classification Sherloc (09022015). Collection method: clinical testing. Allele origin: germline.
Comment: This sequence change replaces arginine, which is basic and polar, with tryptophan, which is neutral and slightly polar, at codon 606 of the LTBP3 protein (p.Arg606Trp). This variant is present in population databases (rs763639032, gnomAD 0.003%). This variant has not been reported in the literature in individuals affected with LTBP3-related conditions. An algorithm developed to predict the effect of missense changes on protein structure and function (PolyPhen-2) suggests that this variant is likely to be disruptive. In summary, the available evidence is currently insufficient to determine the role of this variant in disease. Therefore, it has been classified as a Variant of Uncertain Significance.

NM_001130144.3(LTBP3):c.1816C>T (p.Arg606Trp)

Gene: LTBP3 (latent transforming growth factor beta binding protein 3; minus strand). Cytogenetic location: 11q13.1.
Variant type: single nucleotide variant.
Coding change: c.1816C>T on transcript NM_001130144.3 (MANE Select); coding-DNA position 1816, C replaced by T.
Protein change: p.Arg606Trp; replaces arginine 606 with tryptophan.
Molecular consequence: missense variant.
Genome position (GRCh38, 1-based): chr11:65,547,950, G>A on the plus strand (C>T on the coding strand, the complement: LTBP3 is on the minus strand). VCF-style: chr11-65547950-G-A. GRCh37 (hg19) VCF-style: chr11-65315421-G-A.
Other names: c.1465C>T, p.Arg489Trp (NM_001164266.1); c.1816C>T, p.Arg606Trp (NM_021070.4); short protein forms R606W, R489W.
Identifiers: ClinVar variation 4739796 (VCV004739796.1).